The following is an entry in ClinVar:

ClinVar aggregate classification (germline): Uncertain significance (1 of 4 stars; one submission).

Allele frequency attached by ClinVar (database versions not stated): gnomAD exomes below 0.00001.

Submission:

Ambry Genetics
Classification: Uncertain significance. Last evaluated: 2022-12-12. Review status: criteria provided, single submitter. Criteria: Ambry Variant Classification Scheme 2023. Collection method: clinical testing. Allele origin: germline.
Comment: The p.R495K variant (also known as c.1484G>A), located in coding exon 7 of the PALLD gene, results from a G to A substitution at nucleotide position 1484. The arginine at codon 495 is replaced by lysine, an amino acid with highly similar properties. This amino acid position is conserved. In addition, the in silico prediction for this alteration is inconclusive. Since supporting evidence is limited at this time, the clinical significance of this alteration remains unclear.

NM_001166108.2(PALLD):c.1484G>A (p.Arg495Lys)

Gene: PALLD (palladin, cytoskeletal associated protein; plus strand). Cytogenetic location: 4q32.3.
Variant type: single nucleotide variant.
Coding change: c.1484G>A on transcript NM_001166108.2 (MANE Select); coding-DNA position 1484, G replaced by A.
Protein change: p.Arg495Lys; replaces arginine 495 with lysine.
Molecular consequence: missense variant.
Genome position (GRCh38, 1-based): chr4:168,691,275, G>A. VCF-style: chr4-168691275-G-A. GRCh37 (hg19) VCF-style: chr4-169612426-G-A.
Other names: c.338G>A, p.Arg113Lys (NM_001166109.2); c.1484G>A, p.Arg495Lys (NM_016081.4); short protein forms R113K, R495K.
Identifiers: ClinVar variation 2448460 (VCV002448460.2), dbSNP rs1782595332, ClinGen allele CA358796326.